The following is an entry in ClinVar:

NM_015443.4(KANSL1):c.910C>T (p.Arg304Cys)

Gene: KANSL1 (KAT8 regulatory NSL complex subunit 1). Cytogenetic location: 17q21.31.
Variant type: single nucleotide variant.
Coding change: c.910C>T on transcript NM_015443.4 (MANE Select); coding-DNA position 910, C replaced by T.
Protein change: p.Arg304Cys; replaces arginine 304 with cysteine.
Molecular consequence: missense variant.
Genome position (GRCh38, 1-based): chr17:46,171,234, G>A on the plus strand (C>T on the coding strand, the complement: KANSL1 is on the minus strand). VCF-style: chr17-46171234-G-A. GRCh37 (hg19) VCF-style: chr17-44248600-G-A.
Other names: c.910C>T, p.Arg304Cys (NM_001193465.2, NM_001193466.2, NM_001379198.1); short protein forms R304C.
Identifiers: ClinVar variation 323786 (VCV000323786.9), dbSNP rs756749550, ClinGen allele CA8618925.

ClinVar aggregate classification (germline): Likely benign. Review status: criteria provided, multiple submitters, no conflicts (2 of 4 stars). 2 submissions from 2 submitters: Likely benign (2). Last evaluated 2019-07-17.

Conditions:
Koolen-de Vries syndrome (KDVS). Identifiers: Orphanet 96169, MedGen C1864871, MONDO:0012496, OMIM 610443.

Allele frequency attached by ClinVar (database versions not stated): gnomAD 0.00001 and 0.00003; gnomAD exomes 0.00005 and 0.00011; ExAC 0.00011.

Submissions (2):

Labcorp Genetics (formerly Invitae), Labcorp
Classification: Likely benign for Koolen-de Vries syndrome. Last evaluated: 2019-07-17. Review status: criteria provided, single submitter. Criteria: Invitae Variant Classification Sherloc (09022015). Collection method: clinical testing. Allele origin: germline.

GeneDx
Classification: Likely benign. Last evaluated: 2017-11-27. Review status: criteria provided, single submitter. Criteria: GeneDx Variant Classification (06012015). Collection method: clinical testing. Allele origin: germline. Affected: yes.
Comment: This variant is considered likely benign or benign based on one or more of the following criteria: it is a conservative change, it occurs at a poorly conserved position in the protein, it is predicted to be benign by multiple in silico algorithms, and/or has population frequency not consistent with disease.